The following is an entry in ClinVar:

ClinVar aggregate classification (germline): Uncertain significance (1 of 4 stars; one submission).

Conditions:
Hypertrophic cardiomyopathy 10. Also called: CARDIOMYOPATHY, HYPERTROPHIC, MID-LEFT VENTRICULAR CHAMBER TYPE, 2; MYL2-Related Familial Hypertrophic Cardiomyopathy. Identifiers: MedGen C1834460, MONDO:0012112, OMIM 608758.

Submission:

Labcorp Genetics (formerly Invitae), Labcorp
Classification: Uncertain significance for Hypertrophic cardiomyopathy 10. Last evaluated: 2025-08-28. Review status: criteria provided, single submitter. Criteria: Invitae Variant Classification Sherloc (09022015). Collection method: clinical testing. Allele origin: germline.
Comment: This sequence change affects a donor splice site in intron 4 of the MYL2 gene. It is expected to disrupt RNA splicing. Variants that disrupt the donor or acceptor splice site typically lead to a loss of protein function (PMID: 16199547), however the current clinical and genetic evidence is not sufficient to establish whether loss-of-function variants in MYL2 cause disease. This variant is not present in population databases (gnomAD no frequency). This variant has not been reported in the literature in individuals affected with MYL2-related conditions. Algorithms developed to predict the effect of sequence changes on RNA splicing suggest that this variant may disrupt the consensus splice site. In summary, the available evidence is currently insufficient to determine the role of this variant in disease. Therefore, it has been classified as a Variant of Uncertain Significance.

Literature cited by the submitters: PubMed 16199547.

NM_000432.4(MYL2):c.274+1G>T

Gene: MYL2 (myosin light chain 2; minus strand). Cytogenetic location: 12q24.11.
Variant type: single nucleotide variant.
Coding change: c.274+1G>T on transcript NM_000432.4 (MANE Select); the canonical splice donor site of the intron after coding-DNA position 274, G replaced by T.
Molecular consequence: splice donor variant.
Genome position (GRCh38, 1-based): chr12:110,914,185, C>A on the plus strand (G>T on the coding strand, the complement: MYL2 is on the minus strand). VCF-style: chr12-110914185-C-A. GRCh37 (hg19) VCF-style: chr12-111351989-C-A.
Other names: c.217+1G>T (NM_001406916.1); c.232+1G>T (NM_001406745.1).
Identifiers: ClinVar variation 4726151 (VCV004726151.1).